The following is an entry in ClinVar:

ClinVar aggregate classification (germline): Uncertain significance. Review status: criteria provided, single submitter (1 of 4 stars). 2 submissions from 2 submitters: Uncertain significance (1). 1 of the submissions does not count toward it. Last evaluated 2025-11-20.

Conditions:
Prostate cancer. Also called: Malignant tumor of prostate. Identifiers: Orphanet 1331, MedGen C0376358, MONDO:0008315, HP:0012125.

Allele frequency attached by ClinVar (database versions not stated): ExAC 0.00003; TOPMed 0.00004; gnomAD 0.00002.
gnomAD v4.1: 102 of 1,614,024 alleles (0.0063%); highest among the groups gnomAD compares: Non-Finnish European, 0.0083%; no homozygotes.

Submissions (2):

Ambry Genetics
Classification: Uncertain significance. Last evaluated: 2025-11-20. Review status: criteria provided, single submitter. Criteria: Ambry Variant Classification Scheme 2023. Collection method: clinical testing. Allele origin: germline.

Science for Life laboratory,  Karolinska Institutet
Classification: Uncertain significance for Malignant tumor of prostate. Review status: no assertion criteria provided. Collection method: not provided. Allele origin: somatic. Not counted in ClinVar's aggregate classification.
Comment: TumorID:SWE-5
ClinVar note: Converted during submission from Unknown to Uncertain significance.

NM_012295.4(CABIN1):c.3907G>A (p.Glu1303Lys)

Gene: CABIN1 (calcineurin binding protein 1; plus strand). Cytogenetic location: 22q11.23.
Variant type: single nucleotide variant.
Coding change: c.3907G>A on transcript NM_012295.4 (MANE Select); coding-DNA position 3907, G replaced by A.
Protein change: p.Glu1303Lys; replaces glutamic acid 1303 with lysine.
Molecular consequence: missense variant.
Genome position (GRCh38, 1-based): chr22:24,096,051, G>A. VCF-style: chr22-24096051-G-A. GRCh37 (hg19) VCF-style: chr22-24492014-G-A.
Other names: c.3907G>A, p.Glu1303Lys (NM_001199281.1); c.3757G>A, p.Glu1253Lys (NM_001201429.2); c.3907G>A (NM_012295.3); short protein forms E1253K, E1303K.
Identifiers: ClinVar variation 161568 (VCV000161568.3), dbSNP rs193920999, ClinGen allele CA174362.